The following is an entry in ClinVar:

NM_001009944.3(PKD1):c.10657T>G (p.Trp3553Gly)

Genes: PKD1-AS1 (PKD1 antisense RNA 1; plus strand), PKD1 (polycystin 1, transient receptor potential channel interacting; minus strand). Cytogenetic location: 16p13.3.
Variant type: single nucleotide variant.
Coding change: c.10657T>G on transcript NM_001009944.3 (MANE Select); coding-DNA position 10657, T replaced by G.
Protein change: p.Trp3553Gly; replaces tryptophan 3553 with glycine.
Molecular consequence: missense variant.
Genome position (GRCh38, 1-based): chr16:2,093,975, A>C on the plus strand (T>G on the coding strand, the complement: PKD1 is on the minus strand). VCF-style: chr16-2093975-A-C. GRCh37 (hg19) VCF-style: chr16-2143976-A-C.
Other names: c.10654T>G, p.Trp3552Gly (NM_000296.4); short protein forms W3552G, W3553G.
Identifiers: ClinVar variation 997387 (VCV000997387.1), dbSNP rs1349398113, ClinGen allele CA394340880.

ClinVar aggregate classification (germline): Uncertain significance (0 of 4 stars; one submission).

Conditions:
Polycystic kidney disease. Also called: Polycystic kidney dysplasia; Kidney, Polycystic. Identifiers: MedGen C0022680, MeSH D007690, MONDO:0020642, HP:0000113.

Submission:

Department of Pathology and Laboratory Medicine, Sinai Health System
Classification: Uncertain significance for Polycystic Kidney disease. Review status: no assertion criteria provided. Collection method: clinical testing. Allele origin: unknown. Affected: yes. Study: The Canadian Open Genetics Repository (COGR).
Comment: The PKD1 p.Trp3553Gly variant was not identified in the literature nor was it identified in the dbSNP, ClinVar, LOVD 3.0, ADPKD Mutation Database or PKD1-LOVD databases. The variant was not identified in the following control databases: the 1000 Genomes Project, the NHLBI GO Exome Sequencing Project, the Exome Aggregation Consortium (August 8th 2016), or the Genome Aggregation Database (Feb 27, 2017). The p.Trp3553 residue is conserved across mammals and other organisms, and computational analyses (PolyPhen-2, SIFT, AlignGVGD, BLOSUM, MutationTaster) suggest that the variant may impact the protein; however, this information is not predictive enough to assume pathogenicity. The variant occurs outside of the splicing consensus sequence and in silico or computational prediction software programs (SpliceSiteFinder, MaxEntScan, NNSPLICE, GeneSplicer, HumanSpliceFinder) do not predict a difference in splicing. In summary, based on the above information the clinical significance of this variant cannot be determined with certainty at this time. This variant is classified as a variant of uncertain significance.